The following is an entry in ClinVar:

ClinVar aggregate classification (germline): Likely benign. Review status: criteria provided, multiple submitters, no conflicts (2 of 4 stars). 2 submissions from 2 submitters: Likely benign (2). Last evaluated 2025-12-01.

Conditions:
Autosomal recessive severe congenital neutropenia due to CSF3R deficiency. Also called: Neutropenia, severe congenital, 7, autosomal recessive. Identifiers: Orphanet 420702, MedGen C4310764, MONDO:0014865, OMIM 617014.

Allele frequency attached by ClinVar (database versions not stated): TOPMed below 0.00001.

Submissions (2):

CeGaT Center for Human Genetics Tuebingen
Classification: Likely benign. Last evaluated: 2025-12-01. Review status: criteria provided, single submitter. Criteria: CeGaT Center For Human Genetics Tuebingen Variant Classification Criteria Version 2. Collection method: clinical testing. Allele origin: germline. Affected: yes. Observed: 1 variant allele.
Comment: CSF3R: PM2:Supporting, BP4, BP7

Labcorp Genetics (formerly Invitae), Labcorp
Classification: Likely benign for Autosomal recessive severe congenital neutropenia due to CSF3R deficiency. Last evaluated: 2024-02-17. Review status: criteria provided, single submitter. Criteria: Invitae Variant Classification Sherloc (09022015). Collection method: clinical testing. Allele origin: germline.

NM_000760.4(CSF3R):c.204G>A (p.Glu68=)

Gene: CSF3R (colony stimulating factor 3 receptor; minus strand). Cytogenetic location: 1p34.3.
Variant type: single nucleotide variant.
Coding change: c.204G>A on transcript NM_000760.4 (MANE Select); coding-DNA position 204, G replaced by A.
Protein change: p.Glu68=; no amino-acid change (glutamic acid 68 retained).
Molecular consequence: synonymous variant.
Genome position (GRCh38, 1-based): chr1:36,475,534, C>T on the plus strand (G>A on the coding strand, the complement: CSF3R is on the minus strand). VCF-style: chr1-36475534-C-T. GRCh37 (hg19) VCF-style: chr1-36941135-C-T.
Other names: c.204G>A, p.Glu68= (NM_156039.3, NM_172313.3).
Identifiers: ClinVar variation 2174732 (VCV002174732.8), dbSNP rs1651080055, ClinGen allele CA417264342.